The following is an entry in ClinVar:

NM_000051.4(ATM):c.185+6C>G

Gene: ATM (ATM serine/threonine kinase; plus strand). Cytogenetic location: 11q22.3.
Variant type: single nucleotide variant.
Coding change: c.185+6C>G on transcript NM_000051.4 (MANE Select); 6 bases into the intron after coding-DNA position 185, C replaced by G.
Molecular consequence: intron variant.
Genome position (GRCh38, 1-based): chr11:108,227,894, C>G. VCF-style: chr11-108227894-C-G. GRCh37 (hg19) VCF-style: chr11-108098621-C-G.
Other names: c.185+6C>G (NM_001351834.2, NM_001351835.2, NM_001351836.2).
Identifiers: ClinVar variation 490441 (VCV000490441.9), dbSNP rs1555054299, ClinGen allele CA658683703.

ClinVar aggregate classification (germline): Conflicting classifications of pathogenicity. Review status: criteria provided, conflicting classifications (1 of 4 stars). 2 submissions from 2 submitters: Uncertain significance (1); Likely benign (1). Last evaluated 2023-12-19.

Conditions:
Hereditary cancer-predisposing syndrome. Also called: Tumor predisposition; Neoplastic Syndromes, Hereditary; Hereditary Cancer Syndrome; Hereditary neoplastic syndrome. Identifiers: Orphanet 140162, MedGen C0027672, MeSH D009386, MONDO:0015356.
Ataxia-telangiectasia syndrome (AT). Also called: Ataxia-telangiectasia; Ataxia-telangiectasia, complementation group D; AT, COMPLEMENTATION GROUP C; LOUIS-BAR SYNDROME; Cerebello-oculocutaneous telangiectasia; Immunodeficiency with ataxia telangiectasia. Identifiers: Orphanet 100, MedGen C0004135, MONDO:0008840, OMIM 208900.

Submissions (2):

Labcorp Genetics (formerly Invitae), Labcorp
Classification: Uncertain significance for Ataxia-telangiectasia syndrome. Last evaluated: 2023-12-19. Review status: criteria provided, single submitter. Criteria: Invitae Variant Classification Sherloc (09022015). Collection method: clinical testing. Allele origin: germline.
Comment: This sequence change falls in intron 3 of the ATM gene. It does not directly change the encoded amino acid sequence of the ATM protein. It affects a nucleotide within the consensus splice site. This variant is not present in population databases (gnomAD no frequency). This variant has not been reported in the literature in individuals affected with ATM-related conditions. ClinVar contains an entry for this variant (Variation ID: 490441). Variants that disrupt the consensus splice site are a relatively common cause of aberrant splicing (PMID: 17576681, 9536098). Algorithms developed to predict the effect of sequence changes on RNA splicing suggest that this variant is not likely to affect RNA splicing. In summary, the available evidence is currently insufficient to determine the role of this variant in disease. Therefore, it has been classified as a Variant of Uncertain Significance.

Color Diagnostics, LLC DBA Color Health
Classification: Likely benign for Hereditary cancer-predisposing syndrome. Last evaluated: 2017-05-01. Review status: criteria provided, single submitter. Criteria: ACMG Guidelines, 2015. Collection method: clinical testing. Allele origin: germline.

Literature cited by the submitters: PubMed 17576681 (cited by Labcorp Genetics (formerly Invitae), Labcorp); PubMed 9536098 (cited by Labcorp Genetics (formerly Invitae), Labcorp).